The following is an entry in ClinVar:

NM_000321.3(RB1):c.2212-1_2214del

Gene: RB1 (RB transcriptional corepressor 1; plus strand). Cytogenetic location: 13q14.2.
Variant type: Deletion.
Coding change: c.2212-1_2214del on transcript NM_000321.3 (MANE Select); the canonical splice acceptor site of the intron before coding-DNA position 2212 through coding-DNA position 2214, 4 bases deleted (GACA; older notation c.2212-1_2214delGACA).
Molecular consequence: splice acceptor variant.
Genome position (GRCh38, 1-based): chr13:48,464,997-48,465,000, GACA deleted; deleting any 4 consecutive bases within chr13:48,464,995-48,465,000 gives the same sequence; the c. name uses the placement nearest the transcript's 3' end. VCF-style (leftmost placement, unchanged base first): chr13-48464994-TCAGA-T. GRCh37 (hg19) VCF-style: chr13-49039130-TCAGA-T.
Other names: c.2212-1_2214del (NM_001407165.1).
Identifiers: ClinVar variation 3237076 (VCV003237076.2), dbSNP rs2542375089.

ClinVar aggregate classification (germline): Pathogenic. Review status: criteria provided, multiple submitters, no conflicts (2 of 4 stars). 2 submissions from 2 submitters: Pathogenic (2). Last evaluated 2025-09-17.

Conditions:
Retinoblastoma (RB1). Also called: RETINOBLASTOMA, SOMATIC. Identifiers: Orphanet 790, MedGen C0035335, MeSH D012175, MONDO:0008380, OMIM 180200, HP:0009919. Disease mechanism: loss of function. Inheritance: Both sporadic and heritable forms are tested..
Hereditary retinoblastoma. Identifiers: Orphanet 357027, MedGen C0751483, MONDO:0018160.

Submissions (2):

Ramesar Group, Division of Human Genetics, Institute of Infectious Diseases and Molecular Medicine, UCT/MRC Genomic and Precision Medicine Research Unit, University of Cape Town
Classification: Pathogenic for Hereditary retinoblastoma. Last evaluated: 2025-09-17. Review status: criteria provided, single submitter. Criteria: ACMG Guidelines, 2015. Collection method: research. Allele origin: germline. Affected: yes. Observed: 1 variant allele.
Comment: PVS1: Null variant (canonical -1 splice site) in a gene (RB1) where LOF is a known mechanism of disease PM2: Absent from gnomAD and ExAC PP3: SpliceAI informs an acceptor loss score of 0.98 PP4: Patients presents with bilateral retinoblastoma PP5: Reported as pathogenic in ClinVar

Genetic Diagnostic Laboratory, University of Pennsylvania School of Medicine
Classification: Pathogenic for Retinoblastoma. Last evaluated: 2024-05-20. Review status: criteria provided, single submitter. Criteria: ACMG Guidelines, 2015. Collection method: clinical testing. Allele origin: germline. Affected: yes. Observed: 1 variant allele.
Comment: Case and Pedigree Information: BILATERAL CASES:1, UNILATERAL CASES:0, TOTAL CASES:1, PEDIGREES:1. ACMG Codes Applied:PVS1, PM2